The following is an entry in ClinVar:

NM_001365276.2(TNXB):c.1656A>C (p.Glu552Asp)

Gene: TNXB (tenascin XB; minus strand). Cytogenetic location: 6p21.33.
Variant type: single nucleotide variant.
Coding change: c.1656A>C on transcript NM_001365276.2 (MANE Select); coding-DNA position 1656, A replaced by C.
Protein change: p.Glu552Asp; replaces glutamic acid 552 with aspartic acid.
Molecular consequence: missense variant.
Genome position (GRCh38, 1-based): chr6:32,096,197, T>G on the plus strand (A>C on the coding strand, the complement: TNXB is on the minus strand). VCF-style: chr6-32096197-T-G. GRCh37 (hg19) VCF-style: chr6-32063974-T-G.
Other names: c.1656A>C, p.Glu552Asp (NM_019105.8); short protein forms E552D.
Identifiers: ClinVar variation 1777350 (VCV001777350.2), dbSNP rs746751037, ClinGen allele CA3735640.

ClinVar aggregate classification (germline): Uncertain significance (1 of 4 stars; one submission).

Conditions:
Cardiovascular phenotype. Identifiers: MedGen CN230736.

Allele frequency attached by ClinVar (database versions not stated): TOPMed below 0.00001; gnomAD 0.00001.
gnomAD v4.1: 2 of 1,565,178 alleles (0.00013%); highest among the groups gnomAD compares: African/African-American, 0.0027%; no homozygotes.

Submission:

Ambry Genetics
Classification: Uncertain significance for Cardiovascular phenotype. Last evaluated: 2021-11-19. Review status: criteria provided, single submitter. Criteria: Ambry Variant Classification Scheme 2023. Collection method: clinical testing. Allele origin: germline.
Comment: The p.E552D variant (also known as c.1656A>C), located in coding exon 2 of the TNXB gene, results from an A to C substitution at nucleotide position 1656. The glutamic acid at codon 552 is replaced by aspartic acid, an amino acid with highly similar properties. This amino acid position is conserved. In addition, this alteration is predicted to be tolerated by in silico analysis. Since supporting evidence is limited at this time, the clinical significance of this alteration remains unclear.